The following is an entry in ClinVar:

ClinVar aggregate classification (germline): Pathogenic (1 of 4 stars; one submission).

Submission:

Labcorp Genetics (formerly Invitae), Labcorp
Classification: Pathogenic. Last evaluated: 2023-04-15. Review status: criteria provided, single submitter. Criteria: Invitae Variant Classification Sherloc (09022015). Collection method: clinical testing. Allele origin: germline.
Comment: This sequence change creates a premature translational stop signal (p.Ser96Phefs*7) in the LAT gene. It is expected to result in an absent or disrupted protein product. Loss-of-function variants in LAT are known to be pathogenic (PMID: 27242165, 27522155). For these reasons, this variant has been classified as Pathogenic. This variant has not been reported in the literature in individuals affected with LAT-related conditions. This variant is not present in population databases (gnomAD no frequency).

Literature cited by the submitters: PubMed 27242165; PubMed 27522155.

NM_001014987.2(LAT):c.286dup (p.Ser96fs)

Gene: LAT (linker for activation of T cells; plus strand). Cytogenetic location: 16p11.2.
Variant type: Duplication.
Coding change: c.286dup on transcript NM_001014987.2 (MANE Select); coding-DNA position 286, one base duplicated (T; older notation c.286dupT).
Protein change: p.Ser96fs; shifts the reading frame from serine 96.
Molecular consequence: frameshift variant.
Genome position (GRCh38, 1-based): chr16:28,986,422, T duplicated. VCF-style (leftmost placement, unchanged base first): chr16-28986421-A-AT. GRCh37 (hg19) VCF-style: chr16-28997742-A-AT.
Other names: c.283dup, p.Ser95fs (NM_001014988.2); c.394dup, p.Ser132fs (NM_001014989.2); c.286dup, p.Ser96fs (NM_014387.4); short protein forms S95fs, S132fs, S96fs.
Identifiers: ClinVar variation 2856535 (VCV002856535.3), dbSNP rs2506681723, ClinGen allele CA2739266699.